The following is an entry in ClinVar:

ClinVar aggregate classification (germline): Pathogenic (1 of 4 stars; one submission).

gnomAD v4.1: 1 of 1,613,314 alleles (0.000062%); highest among the groups gnomAD compares: Non-Finnish European, 0.000085%; no homozygotes.

Submission:

Labcorp Genetics (formerly Invitae), Labcorp
Classification: Pathogenic. Last evaluated: 2023-08-23. Review status: criteria provided, single submitter. Criteria: Invitae Variant Classification Sherloc (09022015). Collection method: clinical testing. Allele origin: germline.
Comment: This sequence change creates a premature translational stop signal (p.Ser839*) in the VPS13A gene. It is expected to result in an absent or disrupted protein product. Loss-of-function variants in VPS13A are known to be pathogenic (PMID: 12404112, 21598378). For these reasons, this variant has been classified as Pathogenic. This variant has not been reported in the literature in individuals affected with VPS13A-related conditions. This variant is not present in population databases (gnomAD no frequency).

Literature cited by the submitters: PubMed 12404112; PubMed 21598378.

NM_033305.3(VPS13A):c.2516C>A (p.Ser839Ter)

Gene: VPS13A (vacuolar protein sorting 13 homolog A; plus strand). Cytogenetic location: 9q21.2.
Variant type: single nucleotide variant.
Coding change: c.2516C>A on transcript NM_033305.3 (MANE Select); coding-DNA position 2516, C replaced by A.
Protein change: p.Ser839Ter; replaces serine 839 with a stop codon.
Molecular consequence: nonsense.
Genome position (GRCh38, 1-based): chr9:77,275,501, C>A. VCF-style: chr9-77275501-C-A. GRCh37 (hg19) VCF-style: chr9-79890417-C-A.
Other names: c.2516C>A, p.Ser839Ter (NM_001018037.2, NM_001018038.3, NM_015186.4); short protein forms S839*.
Identifiers: ClinVar variation 2754572 (VCV002754572.3), dbSNP rs2537812623, ClinGen allele CA373844174.